The following is an entry in ClinVar:

NM_002878.4(RAD51D):c.971A>T (p.Gln324Leu)

Genes: RAD51D (RAD51 paralog D; minus strand), RAD51L3-RFFL (RAD51L3-RFFL readthrough; minus strand). Cytogenetic location: 17q12.
Variant type: single nucleotide variant.
Coding change: c.971A>T on transcript NM_002878.4 (MANE Select); coding-DNA position 971, A replaced by T.
Protein change: p.Gln324Leu; replaces glutamine 324 with leucine.
Molecular consequence: missense variant. On other transcripts: non-coding transcript variant (2).
Genome position (GRCh38, 1-based): chr17:35,100,969, T>A on the plus strand (A>T on the coding strand, the complement: RAD51D is on the minus strand). VCF-style: chr17-35100969-T-A. GRCh37 (hg19) VCF-style: chr17-33427988-T-A.
Other names: c.1031A>T, p.Gln344Leu (NM_001142571.2); c.635A>T, p.Gln212Leu (NM_133629.3); short protein forms Q212L, Q324L, Q344L.
Identifiers: ClinVar variation 1098871 (VCV001098871.4), dbSNP rs2091527352, ClinGen allele CA399086053.

ClinVar aggregate classification (germline): Uncertain significance. Review status: criteria provided, multiple submitters, no conflicts (2 of 4 stars). 2 submissions from 2 submitters: Uncertain significance (2). Last evaluated 2023-04-21.

Conditions:
Breast-ovarian cancer, familial, susceptibility to, 4. Identifiers: Orphanet 145, MedGen C3280345, MONDO:0013669, OMIM 614291.

gnomAD v4.1: 2 of 1,613,100 alleles (0.00012%); highest among the groups gnomAD compares: South Asian, 0.0022%; no homozygotes.

Submissions (2):

Labcorp Genetics (formerly Invitae), Labcorp
Classification: Uncertain significance for Breast-ovarian cancer, familial, susceptibility to, 4. Last evaluated: 2023-04-21. Review status: criteria provided, single submitter. Criteria: Invitae Variant Classification Sherloc (09022015). Collection method: clinical testing. Allele origin: germline.
Comment: In summary, the available evidence is currently insufficient to determine the role of this variant in disease. Therefore, it has been classified as a Variant of Uncertain Significance. An algorithm developed to predict the effect of missense changes on protein structure and function (PolyPhen-2) suggests that this variant is likely to be tolerated. ClinVar contains an entry for this variant (Variation ID: 1098871). This missense change has been observed in individual(s) with breast cancer (PMID: 29522266). This variant is not present in population databases (gnomAD no frequency). This sequence change replaces glutamine, which is neutral and polar, with leucine, which is neutral and non-polar, at codon 324 of the RAD51D protein (p.Gln324Leu).

Hereditary Cancer Group, L’Institut d'Investigació Biomèdica de Bellvitge
Classification: Uncertain significance for Breast-ovarian cancer, familial, susceptibility to, 4. Last evaluated: 2021-05-03. Review status: criteria provided, single submitter. Criteria: ACMG Guidelines, 2015. Collection method: curation. Allele origin: germline.

Literature cited by the submitters: PubMed 29522266 (cited by Labcorp Genetics (formerly Invitae), Labcorp and Hereditary Cancer Group, L’Institut d'Investigació Biomèdica de Bellvitge).